The following is an entry in ClinVar:

NM_001267550.2(TTN):c.11871dup (p.Glu3958Ter)

Gene: TTN (titin; minus strand). Cytogenetic location: 2q31.2.
Variant type: Duplication.
Coding change: c.11871dup on transcript NM_001267550.2 (MANE Select); coding-DNA position 11871, one base duplicated (T; older notation c.11871dupT).
Protein change: p.Glu3958Ter; replaces glutamic acid 3958 with a stop codon.
Molecular consequence: nonsense. On other transcripts: intron variant (1).
Genome position (GRCh38, 1-based): chr2:178,741,362, A duplicated on the plus strand (T on the coding strand, the reverse complement: TTN is on the minus strand); the first of 3 consecutive A bases (chr2:178,741,362-178,741,364); duplicating any one gives the same sequence. VCF-style (leftmost placement, unchanged base first): chr2-178741361-C-CA. GRCh37 (hg19) VCF-style: chr2-179606088-C-CA.
Other names: c.10920dup, p.Glu3641Ter (NM_001256850.1); c.10782dup, p.Glu3595Ter (NM_003319.4); c.11157dup, p.Glu3720Ter (NM_133432.3); c.11358dup, p.Glu3787Ter (NM_133437.4); c.10361-3002dup (NM_133378.4); c.10782dupT (NM_003319.4); short protein forms E3641*, E3958*, E3595*, E3720*, E3787*.
Identifiers: ClinVar variation 1512035 (VCV001512035.7), dbSNP rs2082452692, ClinGen allele CA1039719796.
Genomic context (GRCh38, chr2:178,741,361, plus strand): 5'-GCTGCTTGTTTTCTTTGAACCATGTAACAGTAGGGGCAGGCTCTCCAACCACTGTGTACT[C>CA]AAAGATGGCAGGAAGCCCTTGAGCACAGCGAATTGGTTTTAACTCCTTAAGGAAGTGAGG-3'

ClinVar aggregate classification (germline): Likely pathogenic. Review status: criteria provided, multiple submitters, no conflicts (2 of 4 stars). 2 submissions from 2 submitters: Likely pathogenic (2). Last evaluated 2026-02-27.

Conditions:
Autosomal recessive limb-girdle muscular dystrophy type 2J (LGMDR10). Also called: MUSCULAR DYSTROPHY, LIMB-GIRDLE, AUTOSOMAL RECESSIVE 10; Limb-girdle muscular dystrophy, type 2J. Identifiers: Orphanet 140922, MedGen C1837342, MONDO:0012127, OMIM 608807.
Dilated cardiomyopathy 1G (CMD1G). Identifiers: Orphanet 154, MedGen C1858763, MONDO:0011400, OMIM 604145.
Cardiovascular phenotype. Identifiers: MedGen CN230736.

Submissions (2):

Ambry Genetics
Classification: Likely pathogenic for Cardiovascular phenotype. Last evaluated: 2026-02-27. Review status: criteria provided, single submitter. Criteria: Ambry Variant Classification Scheme 2023. Collection method: clinical testing. Allele origin: germline.
Comment: The c.10782dupT variant, located in coding exon 44 of the TTN gene, results from a duplication of T at nucleotide position 10782, causing a translational frameshift with a predicted alternate stop codon (p.E3595*). This exon is located in the I-band region of the N2-B isoform of the titin protein and is constitutively expressed in TTN transcripts (percent spliced in or PSI 100%). This variant is considered to be rare based on population cohorts in the Genome Aggregation Database (gnomAD). This variant is expected to result in loss of function by premature protein truncation or nonsense-mediated mRNA decay. While truncating variants in TTN are present in 1-3% of the general population, truncating variants in the A-band are the most common cause of dilated cardiomyopathy (Herman DS et al. N. Engl. J. Med., 2012 Feb;366:619-28; Roberts AM et al. Sci Transl Med, 2015 Jan;7:270ra6). TTN truncating variants encoded in constitutive exons (PSI >90%) have been found to be significantly associated with DCM regardless of their position in titin (Schafer S et al. Nat. Genet., 2017 01;49:46-53; Akhtar MM et al. Circ Heart Fail, 2020 Oct;13:e006832; Massier M et al. Clin Genet, 2025 Jan). Based on the majority of available evidence to date, this variant is likely to be pathogenic.

Labcorp Genetics (formerly Invitae), Labcorp
Classification: Likely pathogenic for Dilated cardiomyopathy 1G; Autosomal recessive limb-girdle muscular dystrophy type 2J. Last evaluated: 2024-10-18. Review status: criteria provided, single submitter. Criteria: Invitae Variant Classification Sherloc (09022015). Collection method: clinical testing. Allele origin: germline.
Comment: This sequence change creates a premature translational stop signal (p.Glu3958*) in the TTN gene. While this is not anticipated to result in nonsense mediated decay, it is expected to create a truncated TTN protein. This variant is not present in population databases (gnomAD no frequency). This variant has not been reported in the literature in individuals affected with TTN-related conditions. ClinVar contains an entry for this variant (Variation ID: 1512035). This variant is located in the I band of TTN (PMID: 25589632). Truncating variants in this region have been reported in individuals affected with autosomal recessive centronuclear myopathy (PMID: 23975875, internal data). Truncating variants in this region have also been identified in individuals affected with autosomal dominant dilated cardiomyopathy and/or cardio-related conditions (PMID: 27869827, 32964742, internal data). In summary, the currently available evidence indicates that the variant is pathogenic, but additional data are needed to prove that conclusively. Therefore, this variant has been classified as Likely Pathogenic.

Literature cited by the submitters: PubMed 25589632 (cited by Labcorp Genetics (formerly Invitae), Labcorp); PubMed 23975875 (cited by Labcorp Genetics (formerly Invitae), Labcorp); PubMed 27869827 (cited by Labcorp Genetics (formerly Invitae), Labcorp); PubMed 32964742 (cited by Labcorp Genetics (formerly Invitae), Labcorp).